The following is an entry in ClinVar:

ClinVar aggregate classification (germline): Uncertain significance. Review status: criteria provided, multiple submitters, no conflicts (2 of 4 stars). 2 submissions from 2 submitters: Uncertain significance (2). Last evaluated 2025-10-18.

Conditions:
Hereditary cancer-predisposing syndrome. Also called: Neoplastic Syndromes, Hereditary; Tumor predisposition; Hereditary neoplastic syndrome; Hereditary Cancer Syndrome. Identifiers: Orphanet 140162, MedGen C0027672, MeSH D009386, MONDO:0015356.

Submissions (2):

Labcorp Genetics (formerly Invitae), Labcorp
Classification: Uncertain significance. Last evaluated: 2025-10-18. Review status: criteria provided, single submitter. Criteria: Invitae Variant Classification Sherloc (09022015). Collection method: clinical testing. Allele origin: germline.
Comment: This sequence change replaces arginine, which is basic and polar, with threonine, which is neutral and polar, at codon 999 of the MSH3 protein (p.Arg999Thr). This variant is not present in population databases (gnomAD no frequency). This variant has not been reported in the literature in individuals affected with MSH3-related conditions. ClinVar contains an entry for this variant (Variation ID: 1365166). An algorithm developed to predict the effect of missense changes on protein structure and function (PolyPhen-2) suggests that this variant is likely to be tolerated. In summary, the available evidence is currently insufficient to determine the role of this variant in disease. Therefore, it has been classified as a Variant of Uncertain Significance.

Ambry Genetics
Classification: Uncertain significance for Hereditary cancer-predisposing syndrome. Last evaluated: 2021-02-11. Review status: criteria provided, single submitter. Criteria: Ambry Variant Classification Scheme 2023. Collection method: clinical testing. Allele origin: germline.
Comment: The p.R999T variant (also known as c.2996G>C), located in coding exon 21 of the MSH3 gene, results from a G to C substitution at nucleotide position 2996. The arginine at codon 999 is replaced by threonine, an amino acid with similar properties. This amino acid position is not well conserved in available vertebrate species. In addition, this alteration is predicted to be tolerated by in silico analysis. Since supporting evidence is limited at this time, the clinical significance of this alteration remains unclear.

NM_002439.5(MSH3):c.2996G>C (p.Arg999Thr)

Gene: MSH3 (mutS homolog 3; plus strand). Cytogenetic location: 5q14.1.
Variant type: single nucleotide variant.
Coding change: c.2996G>C on transcript NM_002439.5 (MANE Select); coding-DNA position 2996, G replaced by C.
Protein change: p.Arg999Thr; replaces arginine 999 with threonine.
Molecular consequence: missense variant.
Genome position (GRCh38, 1-based): chr5:80,854,312, G>C. VCF-style: chr5-80854312-G-C. GRCh37 (hg19) VCF-style: chr5-80150131-G-C.
Other names: short protein forms R999T.
Identifiers: ClinVar variation 1365166 (VCV001365166.10), dbSNP rs1580091648, ClinGen allele CA360275854.